The following is an entry in ClinVar:

NM_017617.5(NOTCH1):c.2015-2A>G

Gene: NOTCH1 (notch receptor 1; minus strand). Cytogenetic location: 9q34.3.
Variant type: single nucleotide variant.
Coding change: c.2015-2A>G on transcript NM_017617.5 (MANE Select); the canonical splice acceptor site of the intron before coding-DNA position 2015, A replaced by G.
Molecular consequence: splice acceptor variant.
Genome position (GRCh38, 1-based): chr9:136,514,704, T>C on the plus strand (A>G on the coding strand, the complement: NOTCH1 is on the minus strand). VCF-style: chr9-136514704-T-C. GRCh37 (hg19) VCF-style: chr9-139409156-T-C.
Identifiers: ClinVar variation 2749683 (VCV002749683.3), dbSNP rs1293276034, ClinGen allele CA375558973.

ClinVar aggregate classification (germline): Likely pathogenic (1 of 4 stars; one submission).

Conditions:
Adams-Oliver syndrome 5 (AOS5). Identifiers: Orphanet 974, MedGen C4014970, MONDO:0014459, OMIM 616028.

Submission:

Labcorp Genetics (formerly Invitae), Labcorp
Classification: Likely pathogenic for Adams-Oliver syndrome 5. Last evaluated: 2023-08-03. Review status: criteria provided, single submitter. Criteria: Invitae Variant Classification Sherloc (09022015). Collection method: clinical testing. Allele origin: germline.
Comment: Algorithms developed to predict the effect of sequence changes on RNA splicing suggest that this variant may disrupt the consensus splice site. This variant has not been reported in the literature in individuals affected with NOTCH1-related conditions. This variant is not present in population databases (gnomAD no frequency). This sequence change affects an acceptor splice site in intron 12 of the NOTCH1 gene. It is expected to disrupt RNA splicing. Variants that disrupt the donor or acceptor splice site typically lead to a loss of protein function (PMID: 16199547), and loss-of-function variants in NOTCH1 are known to be pathogenic (PMID: 16025100, 21457232, 25132448, 25963545). In summary, the currently available evidence indicates that the variant is pathogenic, but additional data are needed to prove that conclusively. Therefore, this variant has been classified as Likely Pathogenic.

Literature cited by the submitters: PubMed 16199547; PubMed 16025100; PubMed 21457232; PubMed 25132448; PubMed 25963545.